The following is an entry in ClinVar:

NM_145200.5(CABP4):c.73dup (p.Val25fs)

Gene: CABP4 (calcium binding protein 4; plus strand). Cytogenetic location: 11q13.2.
Variant type: Duplication.
Coding change: c.73dup on transcript NM_145200.5 (MANE Select); coding-DNA position 73, one base duplicated (G; older notation c.73dupG).
Protein change: p.Val25fs; shifts the reading frame from valine 25.
Molecular consequence: frameshift variant. On other transcripts: 5 prime UTR variant (2), non-coding transcript variant (1), intron variant (1).
Genome position (GRCh38, 1-based): chr11:67,455,496, G duplicated; the last of 5 consecutive G bases (chr11:67,455,492-67,455,496); duplicating any one gives the same sequence. VCF-style (leftmost placement, unchanged base first): chr11-67455491-C-CG. GRCh37 (hg19) VCF-style: chr11-67222962-C-CG.
Other names: c.-311dup (NM_001300895.3); c.-325dup (NM_001379183.1); c.-112-213dup (NM_001300896.3); short protein forms V25fs.
Identifiers: ClinVar variation 5004962 (VCV005004962.2).

ClinVar aggregate classification (germline): Likely pathogenic (1 of 4 stars; one submission).

Conditions:
Cone-rod synaptic disorder, congenital nonprogressive. Also called: NIGHT BLINDNESS, CONGENITAL STATIONARY, INCOMPLETE, AUTOSOMAL RECESSIVE. Identifiers: Orphanet 215, MedGen C4041558, MONDO:0012490, OMIM 610427.

Submission:

Juno Genomics, Hangzhou Juno Genomics, Inc
Classification: Likely pathogenic for Cone-rod synaptic disorder, congenital nonprogressive. Review status: criteria provided, single submitter. Criteria: ACMG Guidelines, 2015. Collection method: clinical testing. Allele origin: germline.
Comment: Null variant in a gene where loss of function (LOF) is a known mechanism of disease.;Absent from controls (or at extremely low frequency if recessive) in Genome Aggregation Database.